The following is an entry in ClinVar:

ClinVar aggregate classification (germline): Uncertain significance (1 of 4 stars; one submission).

Allele frequency attached by ClinVar (database versions not stated): gnomAD exomes below 0.00001 and 0.00001; gnomAD 0.00001; TOPMed 0.00001.
gnomAD v4.1: 7 of 1,613,468 alleles (0.00043%); highest among the groups gnomAD compares: Non-Finnish European, 0.00059%; no homozygotes.

Submission:

Labcorp Genetics (formerly Invitae), Labcorp
Classification: Uncertain significance. Last evaluated: 2022-11-08. Review status: criteria provided, single submitter. Criteria: Invitae Variant Classification Sherloc (09022015). Collection method: clinical testing. Allele origin: germline.
Comment: In summary, the available evidence is currently insufficient to determine the role of this variant in disease. Therefore, it has been classified as a Variant of Uncertain Significance. Advanced modeling of protein sequence and biophysical properties (such as structural, functional, and spatial information, amino acid conservation, physicochemical variation, residue mobility, and thermodynamic stability) performed at Invitae indicates that this missense variant is not expected to disrupt STT3A protein function. ClinVar contains an entry for this variant (Variation ID: 938126). This variant has not been reported in the literature in individuals affected with STT3A-related conditions. This variant is present in population databases (no rsID available, gnomAD 0.0009%). This sequence change replaces serine, which is neutral and polar, with alanine, which is neutral and non-polar, at codon 251 of the STT3A protein (p.Ser251Ala).

NM_152713.5(STT3A):c.751T>G (p.Ser251Ala)

Gene: STT3A (STT3 oligosaccharyltransferase complex catalytic subunit A; plus strand). Cytogenetic location: 11q24.2.
Variant type: single nucleotide variant.
Coding change: c.751T>G on transcript NM_152713.5 (MANE Select); coding-DNA position 751, T replaced by G.
Protein change: p.Ser251Ala; replaces serine 251 with alanine.
Molecular consequence: missense variant.
Genome position (GRCh38, 1-based): chr11:125,606,436, T>G. VCF-style: chr11-125606436-T-G. GRCh37 (hg19) VCF-style: chr11-125476331-T-G.
Other names: c.751T>G, p.Ser251Ala (NM_001278503.2); c.475T>G, p.Ser159Ala (NM_001278504.2); short protein forms S251A, S159A.
Identifiers: ClinVar variation 938126 (VCV000938126.9), dbSNP rs1488297068, ClinGen allele CA383184359.